The following is an entry in ClinVar:

ClinVar aggregate classification (germline): Likely pathogenic (1 of 4 stars; one submission).

Conditions:
Microcephaly, normal intelligence and immunodeficiency (NBS). Also called: SEEMANOVA SYNDROME II; Ataxia telangiectasia variant V1; BERLIN BREAKAGE SYNDROME; Immunodeficiency, microcephaly with normal intelligence; Nijmegen breakage syndrome; Microcephaly with normal intelligence immunodeficiency and lymphoreticular malignancies. Identifiers: Orphanet 647, MedGen C0398791, MONDO:0009623, OMIM 251260.

Submission:

Labcorp Genetics (formerly Invitae), Labcorp
Classification: Likely pathogenic for Microcephaly, normal intelligence and immunodeficiency. Last evaluated: 2022-10-31. Review status: criteria provided, single submitter. Criteria: Invitae Variant Classification Sherloc (09022015). Collection method: clinical testing. Allele origin: germline.
Comment: In summary, the currently available evidence indicates that the variant is pathogenic, but additional data are needed to prove that conclusively. Therefore, this variant has been classified as Likely Pathogenic. This variant disrupts the FHA and BRCT domains of the NBN protein, which are important for the DNA damage response activity and normal function of the NBN protein (PMID: 12433983, 17384674, 15279770, 19804756). While functional studies have not been performed to directly test the effect of this variant on NBN protein function, this suggests that disruption of this region of the protein is causative of disease. This variant has not been reported in the literature in individuals affected with NBN-related conditions. This variant is a gross deletion of the genomic region encompassing exon(s) 3-4 of the NBN gene. This variant would be expected to be in-frame, preserving the integrity of the reading frame.

Literature cited by the submitters: PubMed 12433983; PubMed 17384674; PubMed 15279770; PubMed 19804756.

NC_000008.10:g.(?_90992952)_(90993761_?)del

Gene: NBN (nibrin; minus strand). Cytogenetic location: 8q21.3.
Variant type: Deletion.
Identifiers: ClinVar variation 1519770 (VCV001519770.5).